The following is an entry in ClinVar:

NM_000052.7(ATP7A):c.3327A>G (p.Ile1109Met)

Gene: ATP7A (ATPase copper transporting alpha; plus strand). Cytogenetic location: Xq21.1.
Variant type: single nucleotide variant.
Coding change: c.3327A>G on transcript NM_000052.7 (MANE Select); coding-DNA position 3327, A replaced by G.
Protein change: p.Ile1109Met; replaces isoleucine 1109 with methionine.
Molecular consequence: missense variant. On other transcripts: non-coding transcript variant (1).
Genome position (GRCh38, 1-based): chrX:78,033,637, A>G. VCF-style: chrX-78033637-A-G. GRCh37 (hg19) VCF-style: chrX-77289135-A-G.
Other names: c.3093A>G, p.Ile1031Met (NM_001282224.2); short protein forms I1109M, I1031M.
Identifiers: ClinVar variation 4789451 (VCV004789451.1).
Genomic context (GRCh38, chrX:78,033,637, plus strand): 5'-AGGAAATCCTTTTGTTTCTGTTTGTTAGGAGCTGGACACTGAAACCTTGGGTACCTGCAT[A>G]GATTTCCAGGTTGTGCCAGGCTGTGGTATTAGCTGTAAAGTCACCAATATTGAAGGCTTG-3'
Protein context (NP_000043.4, residues 1099-1119): ELDTETLGTC[Ile1109Met]DFQVVPGCGI

ClinVar aggregate classification (germline): Uncertain significance (1 of 4 stars; one submission).

Conditions:
Menkes kinky-hair syndrome (MNK). Also called: Menkes Disease; Copper transport disease; Classic Menkes Disease. Identifiers: Orphanet 565, MedGen C0022716, MONDO:0010651, OMIM 309400.
Cutis laxa, X-linked (OHS). Also called: EDS IX; Occipital horn syndrome. Identifiers: Orphanet 198, MedGen C0268353, MONDO:0010572, OMIM 304150.
X-linked distal spinal muscular atrophy type 3. Also called: ATP7A-Related Distal Motor Neuropathy; SPINAL MUSCULAR ATROPHY, DISTAL, X-LINKED RECESSIVE; NEURONOPATHY, DISTAL HEREDITARY MOTOR, X-LINKED; NEUROPATHY, DISTAL HEREDITARY MOTOR, X-LINKED. Identifiers: Orphanet 139557, MedGen C1845359, MONDO:0010338, OMIM 300489.

Submission:

Labcorp Genetics (formerly Invitae), Labcorp
Classification: Uncertain significance for X-linked distal spinal muscular atrophy type 3; Cutis laxa, X-linked; Menkes kinky-hair syndrome. Last evaluated: 2025-07-23. Review status: criteria provided, single submitter. Criteria: Invitae Variant Classification Sherloc (09022015). Collection method: clinical testing. Allele origin: germline.
Comment: This sequence change replaces isoleucine, which is neutral and non-polar, with methionine, which is neutral and non-polar, at codon 1109 of the ATP7A protein (p.Ile1109Met). This variant is not present in population databases (gnomAD no frequency). This variant has not been reported in the literature in individuals affected with ATP7A-related conditions. Invitae Evidence Modeling of protein sequence and biophysical properties (such as structural, functional, and spatial information, amino acid conservation, physicochemical variation, residue mobility, and thermodynamic stability) indicates that this missense variant is not expected to disrupt ATP7A protein function with a negative predictive value of 95%. In summary, the available evidence is currently insufficient to determine the role of this variant in disease. Therefore, it has been classified as a Variant of Uncertain Significance.